The following is an entry in ClinVar:

NM_022455.5(NSD1):c.6152-10T>A

Gene: NSD1 (nuclear receptor binding SET domain protein 1; plus strand). Cytogenetic location: 5q35.3.
Variant type: single nucleotide variant.
Coding change: c.6152-10T>A on transcript NM_022455.5 (MANE Select); 10 bases into the intron before coding-DNA position 6152, T replaced by A.
Molecular consequence: intron variant.
Genome position (GRCh38, 1-based): chr5:177,288,809, T>A. VCF-style: chr5-177288809-T-A. GRCh37 (hg19) VCF-style: chr5-176715810-T-A.
Other names: c.6152-10T>A (NM_001409301.1, NM_001409302.1, NM_001409303.1); c.5732-10T>A (NM_001409304.1); c.5399-10T>A (NM_001409305.1); c.5390-10T>A (NM_001409306.1, NM_001409307.1); c.5279-10T>A (NM_001409308.1, NM_172349.5, NM_001365684.2); c.5137-3145T>A (NM_001409309.1).
Identifiers: ClinVar variation 3673279 (VCV003673279.2).

ClinVar aggregate classification (germline): Uncertain significance (1 of 4 stars; one submission).

Submission:

Labcorp Genetics (formerly Invitae), Labcorp
Classification: Uncertain significance. Last evaluated: 2023-10-10. Review status: criteria provided, single submitter. Criteria: Invitae Variant Classification Sherloc (09022015). Collection method: clinical testing. Allele origin: germline.
Comment: This sequence change falls in intron 20 of the NSD1 gene. It does not directly change the encoded amino acid sequence of the NSD1 protein. This variant is not present in population databases (gnomAD no frequency). This variant has not been reported in the literature in individuals affected with NSD1-related conditions. Algorithms developed to predict the effect of sequence changes on RNA splicing suggest that this variant may disrupt the consensus splice site. In summary, the available evidence is currently insufficient to determine the role of this variant in disease. Therefore, it has been classified as a Variant of Uncertain Significance.